The following is an entry in ClinVar:

NM_000264.5(PTCH1):c.1510C>A (p.Pro504Thr)

Gene: PTCH1 (patched 1; minus strand). Cytogenetic location: 9q22.32.
Variant type: single nucleotide variant.
Coding change: c.1510C>A on transcript NM_000264.5 (MANE Select); coding-DNA position 1510, C replaced by A.
Protein change: p.Pro504Thr; replaces proline 504 with threonine.
Molecular consequence: missense variant. On other transcripts: non-coding transcript variant (1).
Genome position (GRCh38, 1-based): chr9:95,476,851, G>T on the plus strand (C>A on the coding strand, the complement: PTCH1 is on the minus strand). VCF-style: chr9-95476851-G-T. GRCh37 (hg19) VCF-style: chr9-98239133-G-T.
Other names: c.1312C>A, p.Pro438Thr (NM_001083602.3); c.1507C>A, p.Pro503Thr (NM_001083603.3); c.1057C>A, p.Pro353Thr (NM_001083604.3, NM_001083605.3, NM_001083606.3 and 1 more transcripts); c.1354C>A, p.Pro452Thr (NM_001354918.2); short protein forms P503T, P504T, P353T, P438T, P452T.
Identifiers: ClinVar variation 3427230 (VCV003427230.1).

ClinVar aggregate classification (germline): Uncertain significance (1 of 4 stars; one submission).

Conditions:
Hereditary cancer-predisposing syndrome. Also called: Neoplastic Syndromes, Hereditary; Tumor predisposition; Hereditary Cancer Syndrome; Hereditary neoplastic syndrome. Identifiers: Orphanet 140162, MedGen C0027672, MeSH D009386, MONDO:0015356.

Submission:

Ambry Genetics
Classification: Uncertain significance for Hereditary cancer-predisposing syndrome. Last evaluated: 2024-07-16. Review status: criteria provided, single submitter. Criteria: Ambry Variant Classification Scheme 2023. Collection method: clinical testing. Allele origin: germline.
Comment: The p.P504T variant (also known as c.1510C>A), located in coding exon 11 of the PTCH1 gene, results from a C to A substitution at nucleotide position 1510. The proline at codon 504 is replaced by threonine, an amino acid with highly similar properties. This amino acid position is highly conserved in available vertebrate species. In addition, this alteration is predicted to be deleterious by in silico analysis. Based on the available evidence, the clinical significance of this variant remains unclear.